The following is an entry in ClinVar:

ClinVar aggregate classification (germline): Uncertain significance (1 of 4 stars; one submission).

Submission:

Labcorp Genetics (formerly Invitae), Labcorp
Classification: Uncertain significance. Last evaluated: 2025-06-08. Review status: criteria provided, single submitter. Criteria: Invitae Variant Classification Sherloc (09022015). Collection method: clinical testing. Allele origin: germline.
Comment: This variant results in the deletion of part of exon 1 (c.226_243+3del) of the CST3 gene. It is expected to disrupt RNA splicing. Variants that disrupt the donor or acceptor splice site typically lead to a loss of protein function (PMID: 16199547), however the current clinical and genetic evidence is not sufficient to establish whether loss-of-function variants in CST3 cause disease. This variant is present in population databases (no rsID available, gnomAD 0.004%). This variant has not been reported in the literature in individuals affected with CST3-related conditions. In summary, the available evidence is currently insufficient to determine the role of this variant in disease. Therefore, it has been classified as a Variant of Uncertain Significance.

Literature cited by the submitters: PubMed 16199547.

NM_000099.4(CST3):c.226_243+3del

Genes: CST3 (cystatin C; minus strand), LOC130065546 (ATAC-STARR-seq lymphoblastoid silent region 12733; plus strand). Cytogenetic location: 20p11.21.
Variant type: Deletion.
Coding change: c.226_243+3del on transcript NM_000099.4 (MANE Select); coding-DNA position 226 through 3 bases into the intron after coding-DNA position 243, 21 bases deleted (GTGCGCGCCCGCAAGCAGGTG).
Molecular consequence: splice donor variant.
Genome position (GRCh38, 1-based): chr20:23,637,617-23,637,637, CACCTGCTTGCGGGCGCGCAC deleted on the plus strand (GTGCGCGCCCGCAAGCAGGTG on the coding strand, the reverse complement: CST3 is on the minus strand); deleting any 21 consecutive bases within chr20:23,637,617-23,637,644 gives the same sequence; the c. name uses the placement nearest the transcript's 3' end. VCF-style (leftmost placement, unchanged base first): chr20-23637616-GCACCTGCTTGCGGGCGCGCAC-G. GRCh37 (hg19) VCF-style: chr20-23618253-GCACCTGCTTGCGGGCGCGCAC-G.
Other names: c.226_243+3del (NM_001288614.2).
Identifiers: ClinVar variation 4706601 (VCV004706601.1).